The following is an entry in ClinVar:

ClinVar aggregate classification (germline): Uncertain significance (1 of 4 stars; one submission).

Allele frequency attached by ClinVar (database versions not stated): gnomAD exomes 0.00001.
gnomAD v4.1: 11 of 1,614,058 alleles (0.00068%); highest among the groups gnomAD compares: Non-Finnish European, 0.00085%; no homozygotes.

Submission:

Labcorp Genetics (formerly Invitae), Labcorp
Classification: Uncertain significance. Last evaluated: 2023-06-26. Review status: criteria provided, single submitter. Criteria: Invitae Variant Classification Sherloc (09022015). Collection method: clinical testing. Allele origin: germline.
Comment: In summary, the available evidence is currently insufficient to determine the role of this variant in disease. Therefore, it has been classified as a Variant of Uncertain Significance. An algorithm developed to predict the effect of missense changes on protein structure and function (PolyPhen-2) suggests that this variant is likely to be disruptive. This variant has not been reported in the literature in individuals affected with ERBIN-related conditions. This variant is not present in population databases (gnomAD no frequency). This sequence change replaces proline, which is neutral and non-polar, with threonine, which is neutral and polar, at codon 1126 of the ERBIN protein (p.Pro1126Thr).

NM_001253697.2(ERBIN):c.3376C>A (p.Pro1126Thr)

Gene: ERBIN (erbb2 interacting protein; plus strand). Cytogenetic location: 5q12.3.
Variant type: single nucleotide variant.
Coding change: c.3376C>A on transcript NM_001253697.2 (MANE Select); coding-DNA position 3376, C replaced by A.
Protein change: p.Pro1126Thr; replaces proline 1126 with threonine.
Molecular consequence: missense variant.
Genome position (GRCh38, 1-based): chr5:66,054,694, C>A. VCF-style: chr5-66054694-C-A. GRCh37 (hg19) VCF-style: chr5-65350522-C-A.
Other names: c.3376C>A, p.Pro1126Thr (NM_001006600.3, NM_001253698.2, NM_001253699.2 and 1 more transcripts); c.3364C>A, p.Pro1122Thr (NM_001253701.2); short protein forms P1126T, P1122T.
Identifiers: ClinVar variation 2768059 (VCV002768059.3), dbSNP rs2546816201, ClinGen allele CA359869706.
Genomic context (GRCh38, chr5:66,054,694, plus strand): 5'-TCATACAGAGAGTTCCACTCAGCGGGAAGAACTCCTCCAATGATGCCAGGATCACAGAGA[C>A]CCCTTTCTGCACGAACATACAGCATAGATGGTCCAAATGCATCAAGACCTCAGAGTGCTC-3'
Protein context (NP_001240626.1, residues 1116-1136): TPPMMPGSQR[Pro1126Thr]LSARTYSIDG